The following is an entry in ClinVar:

NM_058216.3(RAD51C):c.39T>C (p.Asp13=)

Gene: RAD51C (RAD51 paralog C; plus strand). Cytogenetic location: 17q22.
Variant type: single nucleotide variant.
Coding change: c.39T>C on transcript NM_058216.3 (MANE Select); coding-DNA position 39, T replaced by C.
Protein change: p.Asp13=; no amino-acid change (aspartic acid 13 retained).
Molecular consequence: synonymous variant. On other transcripts: non-coding transcript variant (2).
Genome position (GRCh38, 1-based): chr17:58,692,682, T>C. VCF-style: chr17-58692682-T-C. GRCh37 (hg19) VCF-style: chr17-56770043-T-C.
Other names: c.39T>C, p.Asp13= (NM_002876.4).
Identifiers: ClinVar variation 3903648 (VCV003903648.1).

ClinVar aggregate classification (germline): Benign (1 of 4 stars; one submission).

Conditions:
Breast-ovarian cancer, familial, susceptibility to, 3. Also called: RAD51C-Related Breast/Ovarian Cancer. Identifiers: Orphanet 145, MedGen C3150659, MONDO:0013253, OMIM 613399.

gnomAD v4.1: 1 of 1,614,176 alleles (0.000062%); highest among the groups gnomAD compares: East Asian, 0.0022%; no homozygotes.

Submission:

Myriad Genetics, Inc.
Classification: Benign for Breast-ovarian cancer, familial, susceptibility to, 3. Last evaluated: 2025-02-14. Review status: criteria provided, single submitter. Criteria: Myriad Autosomal Dominant, Autosomal Recessive and X-Linked Classification Criteria (2023). Collection method: clinical testing. Allele origin: unknown.
Comment: This variant is considered benign. This variant is a silent/synonymous amino acid change and it is not expected to impact splicing.